The following is an entry in ClinVar:

NM_007289.4(MME):c.2153G>A (p.Arg718Lys)

Gene: MME (membrane metalloendopeptidase; plus strand). Cytogenetic location: 3q25.2.
Variant type: single nucleotide variant.
Coding change: c.2153G>A on transcript NM_007289.4 (MANE Select); coding-DNA position 2153, G replaced by A.
Protein change: p.Arg718Lys; replaces arginine 718 with lysine.
Molecular consequence: missense variant.
Genome position (GRCh38, 1-based): chr3:155,172,612, G>A. VCF-style: chr3-155172612-G-A. GRCh37 (hg19) VCF-style: chr3-154890401-G-A.
Other names: c.2153G>A, p.Arg718Lys (NM_000902.5, NM_001354642.2, NM_001354643.1 and 2 more transcripts); short protein forms R718K.
Identifiers: ClinVar variation 1914885 (VCV001914885.5), dbSNP rs772886561, ClinGen allele CA86316147.

ClinVar aggregate classification (germline): Uncertain significance (1 of 4 stars; one submission).

Allele frequency attached by ClinVar (database versions not stated): gnomAD exomes below 0.00001.
gnomAD v4.1: 5 of 1,609,348 alleles (0.00031%); highest among the groups gnomAD compares: Non-Finnish European, 0.00043%; no homozygotes.

Submission:

Labcorp Genetics (formerly Invitae), Labcorp
Classification: Uncertain significance. Last evaluated: 2022-07-30. Review status: criteria provided, single submitter. Criteria: Invitae Variant Classification Sherloc (09022015). Collection method: clinical testing. Allele origin: germline.
Comment: In summary, the available evidence is currently insufficient to determine the role of this variant in disease. Therefore, it has been classified as a Variant of Uncertain Significance. Variants that disrupt the consensus splice site are a relatively common cause of aberrant splicing (PMID: 17576681, 9536098). Algorithms developed to predict the effect of sequence changes on RNA splicing suggest that this variant may disrupt the consensus splice site. Algorithms developed to predict the effect of missense changes on protein structure and function are either unavailable or do not agree on the potential impact of this missense change (SIFT: "Deleterious"; PolyPhen-2: "Probably Damaging"; Align-GVGD: "Class C0"). This variant has not been reported in the literature in individuals affected with MME-related conditions. This variant is not present in population databases (gnomAD no frequency). This sequence change replaces arginine, which is basic and polar, with lysine, which is basic and polar, at codon 718 of the MME protein (p.Arg718Lys). This variant also falls at the last nucleotide of exon 22, which is part of the consensus splice site for this exon.

Literature cited by the submitters: PubMed 17576681; PubMed 9536098.